The following is an entry in ClinVar:

NM_001291303.3(FAT4):c.10664C>T (p.Pro3555Leu)

Gene: FAT4 (FAT atypical cadherin 4; plus strand). Cytogenetic location: 4q28.1.
Variant type: single nucleotide variant.
Coding change: c.10664C>T on transcript NM_001291303.3 (MANE Select); coding-DNA position 10664, C replaced by T.
Protein change: p.Pro3555Leu; replaces proline 3555 with leucine.
Molecular consequence: missense variant.
Genome position (GRCh38, 1-based): chr4:125,451,674, C>T. VCF-style: chr4-125451674-C-T. GRCh37 (hg19) VCF-style: chr4-126372829-C-T.
Other names: c.10664C>T, p.Pro3555Leu (NM_001291285.3); c.10658C>T, p.Pro3553Leu (NM_024582.6); short protein forms P3555L, P3553L.
Identifiers: ClinVar variation 2862535 (VCV002862535.3), dbSNP rs2530912012, ClinGen allele CA358159326.

ClinVar aggregate classification (germline): Uncertain significance (1 of 4 stars; one submission).

Submission:

Labcorp Genetics (formerly Invitae), Labcorp
Classification: Uncertain significance. Last evaluated: 2023-05-04. Review status: criteria provided, single submitter. Criteria: Invitae Variant Classification Sherloc (09022015). Collection method: clinical testing. Allele origin: germline.
Comment: In summary, the available evidence is currently insufficient to determine the role of this variant in disease. Therefore, it has been classified as a Variant of Uncertain Significance. Advanced modeling of protein sequence and biophysical properties (such as structural, functional, and spatial information, amino acid conservation, physicochemical variation, residue mobility, and thermodynamic stability) performed at Invitae indicates that this missense variant is not expected to disrupt FAT4 protein function. This variant has not been reported in the literature in individuals affected with FAT4-related conditions. This variant is not present in population databases (gnomAD no frequency). This sequence change replaces proline, which is neutral and non-polar, with leucine, which is neutral and non-polar, at codon 3553 of the FAT4 protein (p.Pro3553Leu).